The following is an entry in ClinVar:

NM_005886.3(KATNB1):c.48C>T (p.Ile16=)

Gene: KATNB1 (katanin regulatory subunit B1; plus strand). Cytogenetic location: 16q21.
Variant type: single nucleotide variant.
Coding change: c.48C>T on transcript NM_005886.3 (MANE Select); coding-DNA position 48, C replaced by T.
Protein change: p.Ile16=; no amino-acid change (isoleucine 16 retained).
Molecular consequence: synonymous variant.
Genome position (GRCh38, 1-based): chr16:57,741,694, C>T. VCF-style: chr16-57741694-C-T. GRCh37 (hg19) VCF-style: chr16-57775606-C-T.
Identifiers: ClinVar variation 734328 (VCV000734328.10), dbSNP rs200838733, ClinGen allele CA8080601.
Genomic context (GRCh38, chr16:57,741,694, plus strand): 5'-ACAAGGCCCCATCGGGCCGCCCTGATGGCCTCTCCCTCTCCTTCCCTGTGTAGAAGAGAT[C>T]GTCGCGCATGCCAGCAACGTGTCCTCACTGGTGCTGGGCAAAGCCTCCGGGCGGCTGCTG-3'
Protein context (NP_005877.2, residues 6-26): VTKTAWKLQE[Ile16=]VAHASNVSSL

ClinVar aggregate classification (germline): Likely benign. Review status: criteria provided, single submitter (1 of 4 stars). 2 submissions from 2 submitters: Likely benign (1). 1 of the submissions does not count toward it. Last evaluated 2024-11-11.

Conditions:
KATNB1-related disorder. Also called: KATNB1-related condition.

Allele frequency attached by ClinVar (database versions not stated): gnomAD exomes 0.00036; TOPMed 0.00038; gnomAD 0.00035 and 0.00036; ExAC 0.00046; ESP Exome Variant Server 0.00046.
gnomAD v4.1: 1,128 of 1,613,268 alleles (0.07%); highest among the groups gnomAD compares: Non-Finnish European, 0.092%; 1 homozygote.

Submissions (2):

Labcorp Genetics (formerly Invitae), Labcorp
Classification: Likely benign. Last evaluated: 2024-11-11. Review status: criteria provided, single submitter. Criteria: Invitae Variant Classification Sherloc (09022015). Collection method: clinical testing. Allele origin: germline.

PreventionGenetics, part of Exact Sciences
Classification: Likely benign for KATNB1-related condition. Last evaluated: 2021-11-03. Review status: no assertion criteria provided. Collection method: clinical testing. Allele origin: germline. Not counted in ClinVar's aggregate classification.
Comment: This variant is classified as likely benign based on ACMG/AMP sequence variant interpretation guidelines (Richards et al. 2015 PMID: 25741868, with internal and published modifications).